The following is an entry in ClinVar:

NM_000051.4(ATM):c.7542T>C (p.Tyr2514=)

Genes: ATM (ATM serine/threonine kinase; plus strand), C11orf65 (chromosome 11 open reading frame 65; minus strand). Cytogenetic location: 11q22.3.
Variant type: single nucleotide variant.
Coding change: c.7542T>C on transcript NM_000051.4 (MANE Select); coding-DNA position 7542, T replaced by C.
Protein change: p.Tyr2514=; no amino-acid change (tyrosine 2514 retained).
Molecular consequence: synonymous variant. On other transcripts: non-coding transcript variant (1), intron variant (2).
Genome position (GRCh38, 1-based): chr11:108,331,470, T>C. VCF-style: chr11-108331470-T-C. GRCh37 (hg19) VCF-style: chr11-108202197-T-C.
Other names: c.7542T>C, p.Tyr2514= (NM_001351834.2); c.641-22399A>G (NM_001330368.2); c.*38+3750A>G (NM_001351110.2).
Identifiers: ClinVar variation 187253 (VCV000187253.66), dbSNP rs777925486, ClinGen allele CA197160.
Genomic context (GRCh38, chr11:108,331,470, plus strand): 5'-GTTTCTTAATTTTGTGTCTTTTTTTTAATGGTAGAGAGACGGAATGAAGATTCCAACATA[T>C]AAATTTTTGCCTCTTATGTACCAATTGGCTGCTAGAATGGGGACCAAGATGATGGGAGGC-3'
Protein context (NP_000042.3, residues 2504-2524): MKRDGMKIPT[Tyr2514=]KFLPLMYQLA

ClinVar aggregate classification (germline): Conflicting classifications of pathogenicity. Review status: criteria provided, conflicting classifications (1 of 4 stars). 10 submissions from 10 submitters: Uncertain significance (1); Benign (1); Likely benign (7). 1 of the submissions does not count toward it. Last evaluated 2025-11-27.

Conditions:
ATM-related disorder. Also called: ATM-related disorders; ATM-related condition.
Hereditary cancer-predisposing syndrome. Also called: Hereditary Cancer Syndrome; Tumor predisposition; Neoplastic Syndromes, Hereditary; Hereditary neoplastic syndrome. Identifiers: Orphanet 140162, MedGen C0027672, MeSH D009386, MONDO:0015356.
Familial cancer of breast. Also called: hereditary breast carcinoma; BREAST CANCER, FAMILIAL; Hereditary breast cancer. Identifiers: Orphanet 227535, MedGen C0346153, MONDO:0016419, OMIM 114480. Disease mechanism: loss of function.
Ataxia-telangiectasia syndrome (AT). Also called: ATAXIA-TELANGIECTASIA, COMPLEMENTATION GROUP A; ATAXIA-TELANGIECTASIA, FRESNO VARIANT; Ataxia-telangiectasia; Ataxia-telangiectasia, complementation group E; Cerebello-oculocutaneous telangiectasia; Immunodeficiency with ataxia telangiectasia. Identifiers: Orphanet 100, MedGen C0004135, MONDO:0008840, OMIM 208900.

Allele frequency attached by ClinVar (database versions not stated): gnomAD 0.00001; TOPMed 0.00003.
gnomAD v4.1: 26 of 1,613,372 alleles (0.0016%); highest among the groups gnomAD compares: Admixed American, 0.0067%; no homozygotes.

Submissions (10):

Labcorp Genetics (formerly Invitae), Labcorp
Classification: Likely benign for Ataxia-telangiectasia syndrome. Last evaluated: 2025-11-27. Review status: criteria provided, single submitter. Criteria: Invitae Variant Classification Sherloc (09022015). Collection method: clinical testing. Allele origin: germline.

Center for Genomic Medicine, Rigshospitalet, Copenhagen University Hospital
Classification: Likely benign. Last evaluated: 2025-03-04. Review status: criteria provided, single submitter. Criteria: ACMG Guidelines, 2015. Collection method: clinical testing. Allele origin: germline.

Myriad Genetics, Inc.
Classification: Benign for Familial cancer of breast. Last evaluated: 2024-06-14. Review status: criteria provided, single submitter. Criteria: Myriad Autosomal Dominant, Autosomal Recessive and X-Linked Classification Criteria (2023). Collection method: clinical testing. Allele origin: unknown.
Comment: This variant is considered benign. This variant is a silent/synonymous amino acid change and it is not expected to impact splicing.

Women's Health and Genetics/Laboratory Corporation of America, LabCorp
Classification: Likely benign. Last evaluated: 2020-11-24. Review status: criteria provided, single submitter. Criteria: LabCorp Variant Classification Summary - May 2015. Collection method: clinical testing. Allele origin: germline.

GeneDx
Classification: Likely benign. Last evaluated: 2020-08-07. Review status: criteria provided, single submitter. Criteria: GeneDx Variant Classification Process June 2021. Collection method: clinical testing. Allele origin: germline. Affected: yes.

Genetic Services Laboratory, University of Chicago
Classification: Likely benign. Last evaluated: 2018-09-04. Review status: criteria provided, single submitter. Criteria: ACMG Guidelines, 2015. Collection method: clinical testing. Allele origin: germline. Affected: no.

Color Diagnostics, LLC DBA Color Health
Classification: Likely benign for Hereditary cancer-predisposing syndrome. Last evaluated: 2018-01-29. Review status: criteria provided, single submitter. Criteria: ACMG Guidelines, 2015. Collection method: clinical testing. Allele origin: germline.

Illumina Laboratory Services, Illumina
Classification: Uncertain significance for Ataxia-telangiectasia syndrome. Last evaluated: 2017-04-27. Review status: criteria provided, single submitter. Criteria: ICSL Variant Classification Criteria 13 December 2019. Collection method: clinical testing. Allele origin: germline.

Ambry Genetics
Classification: Likely benign for Hereditary cancer-predisposing syndrome. Last evaluated: 2014-12-01. Review status: criteria provided, single submitter. Criteria: Ambry Variant Classification Scheme 2023. Collection method: clinical testing. Allele origin: germline.

PreventionGenetics, part of Exact Sciences
Classification: Likely benign for ATM-related condition. Last evaluated: 2023-04-19. Review status: no assertion criteria provided. Collection method: clinical testing. Allele origin: germline. Not counted in ClinVar's aggregate classification.
Comment: This variant is classified as likely benign based on ACMG/AMP sequence variant interpretation guidelines (Richards et al. 2015 PMID: 25741868, with internal and published modifications).